The following is an entry in ClinVar:

ClinVar aggregate classification (germline): Uncertain significance. Review status: criteria provided, multiple submitters, no conflicts (2 of 4 stars). 2 submissions from 2 submitters: Uncertain significance (2). Last evaluated 2025-06-27.

Conditions:
Hereditary cancer-predisposing syndrome. Also called: Hereditary neoplastic syndrome; Tumor predisposition; Neoplastic Syndromes, Hereditary; Hereditary Cancer Syndrome. Identifiers: Orphanet 140162, MedGen C0027672, MeSH D009386, MONDO:0015356.

Allele frequency attached by ClinVar (database versions not stated): gnomAD exomes below 0.00001.
gnomAD v4.1: 1 of 1,613,926 alleles (0.000062%); highest among the groups gnomAD compares: Non-Finnish European, 0.000085%; no homozygotes.

Submissions (2):

Ambry Genetics
Classification: Uncertain significance for Hereditary cancer-predisposing syndrome. Last evaluated: 2025-06-27. Review status: criteria provided, single submitter. Criteria: Ambry Variant Classification Scheme 2023. Collection method: clinical testing. Allele origin: germline.
Comment: The p.W826L variant (also known as c.2477G>T), located in coding exon 22 of the POLE gene, results from a G to T substitution at nucleotide position 2477. The tryptophan at codon 826 is replaced by leucine, an amino acid with similar properties. This amino acid position is conserved. In addition, this alteration is predicted to be deleterious by in silico analysis. Based on the available evidence, the clinical significance of this variant remains unclear.

Labcorp Genetics (formerly Invitae), Labcorp
Classification: Uncertain significance. Last evaluated: 2025-05-18. Review status: criteria provided, single submitter. Criteria: Invitae Variant Classification Sherloc (09022015). Collection method: clinical testing. Allele origin: germline.
Comment: This sequence change replaces tryptophan, which is neutral and slightly polar, with leucine, which is neutral and non-polar, at codon 826 of the POLE protein (p.Trp826Leu). This variant is not present in population databases (gnomAD no frequency). This variant has not been reported in the literature in individuals affected with POLE-related conditions. ClinVar contains an entry for this variant (Variation ID: 569425). Invitae Evidence Modeling of protein sequence and biophysical properties (such as structural, functional, and spatial information, amino acid conservation, physicochemical variation, residue mobility, and thermodynamic stability) indicates that this missense variant is expected to disrupt POLE protein function with a positive predictive value of 80%. In summary, the available evidence is currently insufficient to determine the role of this variant in disease. Therefore, it has been classified as a Variant of Uncertain Significance.

NM_006231.4(POLE):c.2477G>T (p.Trp826Leu)

Gene: POLE (DNA polymerase epsilon, catalytic subunit; minus strand). Cytogenetic location: 12q24.33.
Variant type: single nucleotide variant.
Coding change: c.2477G>T on transcript NM_006231.4 (MANE Select); coding-DNA position 2477, G replaced by T.
Protein change: p.Trp826Leu; replaces tryptophan 826 with leucine.
Molecular consequence: missense variant.
Genome position (GRCh38, 1-based): chr12:132,664,454, C>A on the plus strand (G>T on the coding strand, the complement: POLE is on the minus strand). VCF-style: chr12-132664454-C-A. GRCh37 (hg19) VCF-style: chr12-133241040-C-A.
Other names: c.2477G>T (NM_006231.2); short protein forms W826L.
Identifiers: ClinVar variation 569425 (VCV000569425.9), dbSNP rs1565961348, ClinGen allele CA387396657.